The following is an entry in ClinVar:

NM_003128.3(SPTBN1):c.2653G>A (p.Glu885Lys)

Gene: SPTBN1 (spectrin beta, non-erythrocytic 1; plus strand). Cytogenetic location: 2p16.2.
Variant type: single nucleotide variant.
Coding change: c.2653G>A on transcript NM_003128.3 (MANE Select); coding-DNA position 2653, G replaced by A.
Protein change: p.Glu885Lys; replaces glutamic acid 885 with lysine.
Molecular consequence: missense variant.
Genome position (GRCh38, 1-based): chr2:54,629,787, G>A. VCF-style: chr2-54629787-G-A. GRCh37 (hg19) VCF-style: chr2-54856924-G-A.
Other names: c.2614G>A, p.Glu872Lys (NM_178313.3); short protein forms E872K, E885K.
Identifiers: ClinVar variation 2581890 (VCV002581890.1), dbSNP rs2549527274, ClinGen allele CA346885645.

ClinVar aggregate classification (germline): Uncertain significance (1 of 4 stars; one submission).

Submission:

GeneDx
Classification: Uncertain significance. Last evaluated: 2023-09-27. Review status: criteria provided, single submitter. Criteria: GeneDx Variant Classification Process June 2021. Collection method: clinical testing. Allele origin: germline. Affected: yes.
Comment: Not observed at significant frequency in large population cohorts (gnomAD); In silico analysis supports that this missense variant has a deleterious effect on protein structure/function; Has not been previously published as pathogenic or benign to our knowledge